The following is an entry in ClinVar:

NM_000256.3(MYBPC3):c.1458G>T (p.Trp486Cys)

Gene: MYBPC3 (myosin binding protein C3; minus strand). Cytogenetic location: 11p11.2.
Variant type: single nucleotide variant.
Coding change: c.1458G>T on transcript NM_000256.3 (MANE Select); coding-DNA position 1458, G replaced by T.
Protein change: p.Trp486Cys; replaces tryptophan 486 with cysteine.
Molecular consequence: missense variant.
Genome position (GRCh38, 1-based): chr11:47,342,744, C>A on the plus strand (G>T on the coding strand, the complement: MYBPC3 is on the minus strand). VCF-style: chr11-47342744-C-A. GRCh37 (hg19) VCF-style: chr11-47364295-C-A.
Other names: short protein forms W486C.
Identifiers: ClinVar variation 1357939 (VCV001357939.8), dbSNP rs1057517920, ClinGen allele CA380325308.

ClinVar aggregate classification (germline): Uncertain significance (1 of 4 stars; one submission).

Conditions:
Hypertrophic cardiomyopathy. Also called: HYPERTROPHIC MYOCARDIOPATHY. Identifiers: Orphanet 217569, MedGen C0007194, MeSH D002312, MONDO:0005045, HP:0001639.

Submission:

Labcorp Genetics (formerly Invitae), Labcorp
Classification: Uncertain significance for Hypertrophic cardiomyopathy. Last evaluated: 2021-05-31. Review status: criteria provided, single submitter. Criteria: Invitae Variant Classification Sherloc (09022015). Collection method: clinical testing. Allele origin: germline.
Comment: This sequence change replaces tryptophan with cysteine at codon 486 of the MYBPC3 protein (p.Trp486Cys). The tryptophan residue is highly conserved and there is a large physicochemical difference between tryptophan and cysteine. This variant is not present in population databases (ExAC no frequency). This variant has not been reported in the literature in individuals with MYBPC3-related conditions. Algorithms developed to predict the effect of missense changes on protein structure and function (SIFT, PolyPhen-2, Align-GVGD) all suggest that this variant is likely to be disruptive, but these predictions have not been confirmed by published functional studies and their clinical significance is uncertain. Algorithms developed to predict the effect of sequence changes on RNA splicing suggest that this variant may disrupt the consensus splice site, but this prediction has not been confirmed by published transcriptional studies. In summary, the available evidence is currently insufficient to determine the role of this variant in disease. Therefore, it has been classified as a Variant of Uncertain Significance.